The following is an entry in ClinVar:

ClinVar aggregate classification (germline): Uncertain significance (1 of 4 stars; one submission).

Submission:

Labcorp Genetics (formerly Invitae), Labcorp
Classification: Uncertain significance. Last evaluated: 2024-05-29. Review status: criteria provided, single submitter. Criteria: Invitae Variant Classification Sherloc (09022015). Collection method: clinical testing. Allele origin: germline.
Comment: This sequence change replaces glutamine, which is neutral and polar, with lysine, which is basic and polar, at codon 958 of the ABCC6 protein (p.Gln958Lys). This variant is not present in population databases (gnomAD no frequency). This variant has not been reported in the literature in individuals affected with ABCC6-related conditions. Advanced modeling of protein sequence and biophysical properties (such as structural, functional, and spatial information, amino acid conservation, physicochemical variation, residue mobility, and thermodynamic stability) performed at Invitae indicates that this missense variant is expected to disrupt ABCC6 protein function with a positive predictive value of 80%. In summary, the available evidence is currently insufficient to determine the role of this variant in disease. Therefore, it has been classified as a Variant of Uncertain Significance.

NM_001171.6(ABCC6):c.2872C>A (p.Gln958Lys)

Gene: ABCC6 (ATP binding cassette subfamily C member 6; minus strand). Cytogenetic location: 16p13.11.
Variant type: single nucleotide variant.
Coding change: c.2872C>A on transcript NM_001171.6 (MANE Select); coding-DNA position 2872, C replaced by A.
Protein change: p.Gln958Lys; replaces glutamine 958 with lysine.
Molecular consequence: missense variant. On other transcripts: non-coding transcript variant (1).
Genome position (GRCh38, 1-based): chr16:16,169,769, G>T on the plus strand (C>A on the coding strand, the complement: ABCC6 is on the minus strand). VCF-style: chr16-16169769-G-T. GRCh37 (hg19) VCF-style: chr16-16263626-G-T.
Other names: c.2530C>A, p.Gln844Lys (NM_001351800.1); short protein forms Q844K, Q958K.
Identifiers: ClinVar variation 3685229 (VCV003685229.2).
Genomic context (GRCh38, chr16:16,169,769, plus strand): 5'-CTACTGCAGGGTCGTCCGCCCACAGGCTCAGCCAGTAGCCCCGGCAGAAGGAGGCCACTT[G>T]CTGGCAGAGGAAGAGGAAGAGTGCGTAGAGGCAGAGGGGGGTGCCCACGGCACGCAGGTA-3'
Protein context (NP_001162.5, residues 948-968): LYALFLFLCQ[Gln958Lys]VASFCRGYWL